The following is an entry in ClinVar:

ClinVar aggregate classification (germline): Conflicting classifications of pathogenicity. Review status: criteria provided, conflicting classifications (1 of 4 stars). 2 submissions from 2 submitters: Uncertain significance (1); Benign (1). Last evaluated 2025-10-23.

Conditions:
Weaver syndrome (WVS). Also called: Weaver Smith syndrome; Overgrowth syndrome with accelerated skeletal maturation, unusual facies, and camptodactyly. Identifiers: Orphanet 3447, MedGen C0265210, MONDO:0010193, OMIM 277590.
EZH2-related disorder.

Allele frequency attached by ClinVar (database versions not stated): gnomAD exomes below 0.00001; ExAC 0.00001; gnomAD 0.00003; TOPMed 0.00004; ESP Exome Variant Server 0.00015.
gnomAD v4.1: 10 of 1,613,180 alleles (0.00062%); highest among the groups gnomAD compares: African/African-American, 0.012%; no homozygotes.

Submissions (2):

PreventionGenetics, part of Exact Sciences
Classification: Uncertain significance for EZH2-related condition. Last evaluated: 2025-10-23. Review status: criteria provided, single submitter. Criteria: ACMG Guidelines, 2015. Collection method: clinical testing. Allele origin: germline.
Comment: The EZH2 c.232C>T variant is predicted to result in the amino acid substitution p.Arg78Cys. To our knowledge, this variant has not been reported in the literature. This variant is reported in 0.012% of alleles in individuals of African descent in gnomAD and is classified as benign in ClinVar (Variation ID: 846780). Although we suspect that this variant may be benign, at this time, the clinical significance of this variant is uncertain due to the absence of conclusive functional and genetic evidence.

Labcorp Genetics (formerly Invitae), Labcorp
Classification: Benign for Weaver syndrome. Last evaluated: 2025-05-02. Review status: criteria provided, single submitter. Criteria: Invitae Variant Classification Sherloc (09022015). Collection method: clinical testing. Allele origin: germline.

NM_004456.5(EZH2):c.232C>T (p.Arg78Cys)

Gene: EZH2 (enhancer of zeste 2 polycomb repressive complex 2 subunit; minus strand). Cytogenetic location: 7q36.1.
Variant type: single nucleotide variant.
Coding change: c.232C>T on transcript NM_004456.5 (MANE Select); coding-DNA position 232, C replaced by T.
Protein change: p.Arg78Cys; replaces arginine 78 with cysteine.
Molecular consequence: missense variant. On other transcripts: intron variant (2).
Genome position (GRCh38, 1-based): chr7:148,846,484, G>A on the plus strand (C>T on the coding strand, the complement: EZH2 is on the minus strand). VCF-style: chr7-148846484-G-A. GRCh37 (hg19) VCF-style: chr7-148543576-G-A.
Other names: c.232C>T, p.Arg78Cys (NM_001203247.2, NM_152998.3); c.219+13C>T (NM_001203248.2, NM_001203249.2); short protein forms R78C.
Identifiers: ClinVar variation 846780 (VCV000846780.11), dbSNP rs141583753, ClinGen allele CA4548189.
Genomic context (GRCh38, chr7:148,846,484, plus strand): 5'-AACCAAAAGATGATGATAATTACTACAACATGTTATGTTAACCAACCTCCCTAGTCCCGC[G>A]CAATGAGCTCACAGAAGTCAGGATGTGCACAGGCTGTATCCTTCGCTGTTTCCATTCTTG-3'
Protein context (NP_004447.2, residues 68-88): VHILTSVSSL[Arg78Cys]GTRECSVTSD